The following is an entry in ClinVar:

NM_021098.3(CACNA1H):c.283C>G (p.Arg95Gly)

Gene: CACNA1H (calcium voltage-gated channel subunit alpha1 H; plus strand). Cytogenetic location: 16p13.3.
Variant type: single nucleotide variant.
Coding change: c.283C>G on transcript NM_021098.3 (MANE Select); coding-DNA position 283, C replaced by G.
Protein change: p.Arg95Gly; replaces arginine 95 with glycine.
Molecular consequence: missense variant.
Genome position (GRCh38, 1-based): chr16:1,154,020, C>G. VCF-style: chr16-1154020-C-G. GRCh37 (hg19) VCF-style: chr16-1204020-C-G.
Other names: c.283C>G, p.Arg95Gly (NM_001005407.2); short protein forms R95G.
Identifiers: ClinVar variation 3390564 (VCV003390564.2).
Genomic context (GRCh38, chr16:1,154,020, plus strand): 5'-TTGGCGGCCACGGTCTTCTTCTGCCTCGGTCAGACCACGCGGCCGCGCAGCTGGTGCCTC[C>G]GGCTGGTCTGCAACCCATATCCTTCCCGGCCGGCGGGGGGCGGGGGGCGGGGGGCGTGGG-3'
Protein context (NP_066921.2, residues 85-105): QTTRPRSWCL[Arg95Gly]LVCNPWFEHV

ClinVar aggregate classification (germline): Uncertain significance (1 of 4 stars; one submission).

gnomAD v4.1: 6 of 1,294,406 alleles (0.00046%); highest among the groups gnomAD compares: African/African-American, 0.0016%; no homozygotes.

Submission:

GeneDx
Classification: Uncertain significance. Last evaluated: 2025-05-09. Review status: criteria provided, single submitter. Criteria: GeneDx Variant Classification Process June 2021. Collection method: clinical testing. Allele origin: germline.
Comment: Not observed at significant frequency in large population cohorts (gnomAD); In silico analysis supports that this missense variant has a deleterious effect on protein structure/function; Has not been previously published as pathogenic or benign to our knowledge